The following is an entry in ClinVar:

ClinVar aggregate classification (germline): Uncertain significance (1 of 4 stars; one submission).

Submission:

Labcorp Genetics (formerly Invitae), Labcorp
Classification: Uncertain significance. Last evaluated: 2022-03-23. Review status: criteria provided, single submitter. Criteria: Invitae Variant Classification Sherloc (09022015). Collection method: clinical testing. Allele origin: germline.
Comment: In summary, the available evidence is currently insufficient to determine the role of this variant in disease. Therefore, it has been classified as a Variant of Uncertain Significance. This variant has not been reported in the literature in individuals affected with USH2A-related conditions. This variant results in a copy number gain of the genomic region encompassing exon(s) 15-72 of the USH2A gene. This region includes the termination codon of the gene. This copy number gain extends beyond the assayed region for this gene and therefore may encompass additional genes. As the precise location of this event is unknown, it may be in tandem or it may be located elsewhere in the genome.

NC_000001.10:g.(?_215799113)_(216390902_?)dup

Gene: USH2A (usherin; minus strand). Cytogenetic location: 1q41.
Variant type: Duplication.
Identifiers: ClinVar variation 2427755 (VCV002427755.4).